The following is an entry in ClinVar:

ClinVar aggregate classification (germline): Conflicting classifications of pathogenicity. Review status: criteria provided, conflicting classifications (1 of 4 stars). 4 submissions from 4 submitters: Uncertain significance (1); Benign (1); Likely benign (2). Last evaluated 2026-07-06.

Conditions:
Retinal dystrophy. Also called: Inherited retinal dystrophy. Identifiers: Orphanet 71862, MedGen C0854723, MeSH D058499, MONDO:0019118, HP:0000556.
Occult macular dystrophy (OCMD). Also called: OMD; OCCULT MACULAR DYSTROPHY, SUSCEPTIBILITY TO. Identifiers: Orphanet 247834, MedGen C3150833, MONDO:0013316, OMIM 613587, HP:0030636.
RP1L1-related disorder. Also called: RP1L1-related condition.

Allele frequency attached by ClinVar (database versions not stated): gnomAD 0.00003; TOPMed 0.00003; gnomAD exomes 0.00005 and 0.00006; ExAC 0.00007.
gnomAD v4.1: 74 of 1,612,712 alleles (0.0046%); highest among the groups gnomAD compares: East Asian, 0.045%; no homozygotes.

Submissions (4):

PreventionGenetics, part of Exact Sciences
Classification: Uncertain significance for RP1L1-related condition. Last evaluated: 2026-07-06. Review status: criteria provided, single submitter. Criteria: ACMG Guidelines, 2015. Collection method: clinical testing. Allele origin: germline.
Comment: The RP1L1 c.3026C>T variant is predicted to result in the amino acid substitution p.Ala1009Val. To our knowledge, this variant has not been reported in the literature. This variant is reported in 0.021% of alleles in individuals of East Asian descent in gnomAD, including 1 homozygote, which may be too frequent to be a primary cause of disease. Although we suspect that this variant may be benign, at this time, the clinical significance of this variant is uncertain due to the absence of conclusive functional and genetic evidence.

Dept Of Ophthalmology, Nagoya University
Classification: Likely benign for Retinal dystrophy. Last evaluated: 2023-10-01. Review status: criteria provided, single submitter. Criteria: Submitter's publication. Collection method: research. Allele origin: germline. Affected: yes.

Blueprint Genetics
Classification: Likely benign. Last evaluated: 2022-11-18. Review status: criteria provided, single submitter. Criteria: ACMG Guidelines, 2015. Collection method: clinical testing. Allele origin: germline.

Illumina Laboratory Services, Illumina
Classification: Benign for Occult macular dystrophy. Last evaluated: 2018-01-13. Review status: criteria provided, single submitter. Criteria: ICSL Variant Classification Criteria 13 December 2019. Collection method: clinical testing. Allele origin: germline.
Comment: This variant was observed in the ICSL laboratory as part of a predisposition screen in an ostensibly healthy population. It had not been previously curated by ICSL or reported in the Human Gene Mutation Database (HGMD: prior to June 1st, 2018), and was therefore a candidate for classification through an automated scoring system. Utilizing variant allele frequency, disease prevalence and penetrance estimates, and inheritance mode, an automated score was calculated to assess if this variant is too frequent to cause the disease. Based on the score and internal cut-off values, a variant classified as benign is not then subjected to further curation. The score for this variant resulted in a classification of benign for this disease.

NM_178857.6(RP1L1):c.3026C>T (p.Ala1009Val)

Gene: RP1L1 (RP1 like 1). Cytogenetic location: 8p23.1.
Variant type: single nucleotide variant.
Coding change: c.3026C>T on transcript NM_178857.6 (MANE Select); coding-DNA position 3026, C replaced by T.
Protein change: p.Ala1009Val; replaces alanine 1009 with valine.
Molecular consequence: missense variant.
Genome position (GRCh38, 1-based): chr8:10,611,072, G>A on the plus strand (C>T on the coding strand, the complement: RP1L1 is on the minus strand). VCF-style: chr8-10611072-G-A. GRCh37 (hg19) VCF-style: chr8-10468582-G-A.
Other names: short protein forms A1009V.
Identifiers: ClinVar variation 909336 (VCV000909336.7), dbSNP rs751300307, ClinGen allele CA4624620.
Genomic context (GRCh38, chr8:10,611,072, plus strand): 5'-AGGAGGGCTCCCTCTGGCTCTGGGTCCTGGCCGGGGTCCCCTTCCAGGGACTGCTGTCCC[G>A]CCTGAGCTGGCTCCCCCAGGCCTTCCAGAGAATGGTCATCCCCAGGGTCCACCTCGGGGC-3'
Protein context (NP_849188.4, residues 999-1019): SLEGLGEPAQ[Ala1009Val]GQQSLEGDPG